The following is an entry in ClinVar:

ClinVar aggregate classification (germline): Pathogenic. Review status: criteria provided, multiple submitters, no conflicts (2 of 4 stars). 2 submissions from 2 submitters: Pathogenic (2). Last evaluated 2023-06-07.

Conditions:
DDX3X-related disorder. Also called: DDX3X-related condition.

Submissions (2):

PreventionGenetics, part of Exact Sciences
Classification: Pathogenic for DDX3X-related condition. Last evaluated: 2023-06-07. Review status: criteria provided, single submitter. Criteria: ACMG Guidelines, 2015. Collection method: clinical testing. Allele origin: germline.
Comment: The DDX3X c.3G>A variant is predicted to disrupt the translation initiation site (Start Loss). To our knowledge, this variant has not been reported in the literature or in a large population database, indicating this variant is rare. Based on this evidence, we interpret the c.3G>A (Start Loss) variant as pathogenic.

Labcorp Genetics (formerly Invitae), Labcorp
Classification: Pathogenic. Last evaluated: 2022-05-07. Review status: criteria provided, single submitter. Criteria: Invitae Variant Classification Sherloc (09022015). Collection method: clinical testing. Allele origin: germline.
Comment: This sequence change affects the initiator methionine of the DDX3X mRNA. The next in-frame methionine is located at codon 187. This variant is not present in population databases (gnomAD no frequency). Disruption of the initiator codon has been observed in individual(s) with DDX3X-related conditions (PMID: 33993884). This variant disrupts a region of the DDX3X protein in which other variant(s) (p.Tyr38Cys) have been determined to be pathogenic (Invitae). This suggests that this is a clinically significant region of the protein, and that variants that disrupt it are likely to be disease-causing. For these reasons, this variant has been classified as Pathogenic.

Literature cited by the submitters: PubMed 33993884 (cited by Labcorp Genetics (formerly Invitae), Labcorp).

NM_001356.5(DDX3X):c.3G>A (p.Met1Ile)

Gene: DDX3X (DEAD-box helicase 3 X-linked; plus strand). Cytogenetic location: Xp11.4.
Variant type: single nucleotide variant.
Coding change: c.3G>A on transcript NM_001356.5 (MANE Select); coding-DNA position 3, G replaced by A.
Protein change: p.Met1Ile; changes the start codon (methionine 1).
Molecular consequence: missense variant, initiator codon variant. On other transcripts: 5 prime UTR variant (1), non-coding transcript variant (2).
Genome position (GRCh38, 1-based): chrX:41,334,255, G>A. VCF-style: chrX-41334255-G-A. GRCh37 (hg19) VCF-style: chrX-41193508-G-A.
Other names: c.3G>A (NM_001193416.2); c.3G>A, p.Met1Ile (NM_001193416.3, NM_001193417.3); c.-1901G>A (NM_001363819.1); short protein forms M1I.
Identifiers: ClinVar variation 1921343 (VCV001921343.7), dbSNP rs1555950665, ClinGen allele CA412761416.